The following is an entry in ClinVar:

NM_003924.4(PHOX2B):c.597T>C (p.Gly199=)

Gene: PHOX2B (paired like homeobox 2B; minus strand). Cytogenetic location: 4p13.
Variant type: single nucleotide variant.
Coding change: c.597T>C on transcript NM_003924.4 (MANE Select); coding-DNA position 597, T replaced by C.
Protein change: p.Gly199=; no amino-acid change (glycine 199 retained).
Molecular consequence: synonymous variant.
Genome position (GRCh38, 1-based): chr4:41,746,155, A>G on the plus strand (T>C on the coding strand, the complement: PHOX2B is on the minus strand). VCF-style: chr4-41746155-A-G. GRCh37 (hg19) VCF-style: chr4-41748172-A-G.
Identifiers: ClinVar variation 4084799 (VCV004084799.8).
Genomic context (GRCh38, chr4:41,746,155, plus strand): 5'-GCTGGGCCCGCCGCCGCCGCCTCCATTCGCCCCGCAGCTGGGGGTGGGGTTGGGATTGGG[A>G]CCTGGGCCCCCAGTGCTGTCCGGGTCAGTGCTCTTGGCCTCTTTGCTCTCGTCGTCCCTG-3'
Protein context (NP_003915.2, residues 189-209): STDPDSTGGP[Gly199=]PNPNPTPSCG

ClinVar aggregate classification (germline): Likely benign (1 of 4 stars; one submission).

Submission:

CeGaT Center for Human Genetics Tuebingen
Classification: Likely benign. Last evaluated: 2025-08-01. Review status: criteria provided, single submitter. Criteria: CeGaT Center For Human Genetics Tuebingen Variant Classification Criteria Version 2. Collection method: clinical testing. Allele origin: germline. Affected: yes. Observed: 1 variant allele.
Comment: PHOX2B: PM2:Supporting, BP4, BP7